The following is an entry in ClinVar:

ClinVar aggregate classification (germline): Pathogenic (1 of 4 stars; one submission).

Conditions:
Lynch syndrome 4 (LYNCH4). Also called: Colorectal cancer, hereditary nonpolyposis, type 4; Hereditary non-polyposis colorectal cancer, type 4. Identifiers: Orphanet 144, MedGen C1838333, MONDO:0013699, OMIM 614337. Disease mechanism: loss of function.

Submission:

Myriad Genetics, Inc.
Classification: Pathogenic for Lynch syndrome 4. Last evaluated: 2026-02-25. Review status: criteria provided, single submitter. Criteria: Myriad Autosomal Dominant, Autosomal Recessive and X-Linked Classification Criteria (2023). Collection method: clinical testing. Allele origin: unknown.
Comment: This variant is considered pathogenic. This variant creates a termination codon and is predicted to result in premature protein truncation.

NM_000535.7(PMS2):c.2440A>T (p.Lys814Ter)

Gene: PMS2 (PMS1 homolog 2, mismatch repair system component; minus strand). Cytogenetic location: 7p22.1.
Variant type: single nucleotide variant.
Coding change: c.2440A>T on transcript NM_000535.7 (MANE Select); coding-DNA position 2440, A replaced by T.
Protein change: p.Lys814Ter; replaces lysine 814 with a stop codon.
Molecular consequence: nonsense. On other transcripts: non-coding transcript variant (1).
Genome position (GRCh38, 1-based): chr7:5,977,593, T>A on the plus strand (A>T on the coding strand, the complement: PMS2 is on the minus strand). VCF-style: chr7-5977593-T-A. GRCh37 (hg19) VCF-style: chr7-6017224-T-A.
Other names: c.2035A>T, p.Lys679Ter (NM_001322003.2, NM_001322004.2, NM_001322005.2 and 11 more transcripts); c.2284A>T, p.Lys762Ter (NM_001322006.2); c.2122A>T, p.Lys708Ter (NM_001322007.2, NM_001322008.2, NM_001406883.1); c.2068A>T, p.Lys690Ter (NM_001322009.2, NM_001406887.1, NM_001406888.1); c.1879A>T, p.Lys627Ter (NM_001322010.2, NM_001406906.1, NM_001406907.1); c.1507A>T, p.Lys503Ter (NM_001322011.2, NM_001322012.2); c.1867A>T, p.Lys623Ter (NM_001322013.2, NM_001406908.1, NM_001406909.1); c.2164A>T, p.Lys722Ter (NM_001406875.1); and 20 more; short protein forms K413*, K503*, K557*, K575*, K623*, K627*, K643*, K652*.
Identifiers: ClinVar variation 4856723 (VCV004856723.1).